The following is an entry in ClinVar:

ClinVar aggregate classification (germline): Likely benign (0 of 4 stars; one submission).

Conditions:
CSMD1-related disorder. Also called: CSMD1-related condition.

Allele frequency attached by ClinVar (database versions not stated): TOPMed 0.00027; gnomAD 0.00031; ESP Exome Variant Server 0.00040.
gnomAD v4.1: 402 of 1,613,928 alleles (0.025%); highest among the groups gnomAD compares: Non-Finnish European, 0.03%; no homozygotes.

Submission:

PreventionGenetics, part of Exact Sciences
Classification: Likely benign for CSMD1-related condition. Last evaluated: 2019-09-18. Review status: no assertion criteria provided. Collection method: clinical testing. Allele origin: germline.
Comment: This variant is classified as likely benign based on ACMG/AMP sequence variant interpretation guidelines (Richards et al. 2015 PMID: 25741868, with internal and published modifications).

NM_033225.6(CSMD1):c.477G>A (p.Thr159=)

Gene: CSMD1 (CUB and Sushi multiple domains 1; minus strand). Cytogenetic location: 8p23.2.
Variant type: single nucleotide variant.
Coding change: c.477G>A on transcript NM_033225.6 (MANE Select); coding-DNA position 477, G replaced by A.
Protein change: p.Thr159=; no amino-acid change (threonine 159 retained).
Molecular consequence: synonymous variant.
Genome position (GRCh38, 1-based): chr8:4,032,038, C>T on the plus strand (G>A on the coding strand, the complement: CSMD1 is on the minus strand). VCF-style: chr8-4032038-C-T. GRCh37 (hg19) VCF-style: chr8-3889560-C-T.
Identifiers: ClinVar variation 3052618 (VCV003052618.2), dbSNP rs111253069, ClinGen allele CA4609643.